The following is an entry in ClinVar:

NM_006440.5(TXNRD2):c.512C>T (p.Ala171Val)

Gene: TXNRD2 (thioredoxin reductase 2; minus strand). Cytogenetic location: 22q11.21.
Variant type: single nucleotide variant.
Coding change: c.512C>T on transcript NM_006440.5 (MANE Select); coding-DNA position 512, C replaced by T.
Protein change: p.Ala171Val; replaces alanine 171 with valine.
Molecular consequence: missense variant. On other transcripts: non-coding transcript variant (1).
Genome position (GRCh38, 1-based): chr22:19,915,781, G>A on the plus strand (C>T on the coding strand, the complement: TXNRD2 is on the minus strand). VCF-style: chr22-19915781-G-A. GRCh37 (hg19) VCF-style: chr22-19903304-G-A.
Other names: c.512C>T, p.Ala171Val (NM_001282512.3); c.509C>T, p.Ala170Val (NM_001352300.2); c.422C>T, p.Ala141Val (NM_001352301.2); c.224C>T, p.Ala75Val (NM_001352302.2); c.416C>T, p.Ala139Val (NM_001352303.2); short protein forms A139V, A141V, A171V, A75V, A170V.
Identifiers: ClinVar variation 1745532 (VCV001745532.3), dbSNP rs1388875479, ClinGen allele CA410692582.

ClinVar aggregate classification (germline): Uncertain significance (1 of 4 stars; one submission).

Conditions:
Cardiovascular phenotype. Identifiers: MedGen CN230736.

Allele frequency attached by ClinVar (database versions not stated): gnomAD 0.00001; TOPMed below 0.00001.
gnomAD v4.1: 1 of 1,614,070 alleles (0.000062%); highest among the groups gnomAD compares: African/African-American, 0.0013%; no homozygotes.

Submission:

Ambry Genetics
Classification: Uncertain significance for Cardiovascular phenotype. Last evaluated: 2025-09-17. Review status: criteria provided, single submitter. Criteria: Ambry Variant Classification Scheme 2023. Collection method: clinical testing. Allele origin: germline.
Comment: The p.A171V variant (also known as c.512C>T), located in coding exon 6 of the TXNRD2 gene, results from a C to T substitution at nucleotide position 512. The alanine at codon 171 is replaced by valine, an amino acid with similar properties. This amino acid position is conserved. In addition, this alteration is predicted to be tolerated by in silico analysis. Since supporting evidence is limited at this time, the clinical significance of this alteration remains unclear.